The following is an entry in ClinVar:

ClinVar aggregate classification (germline): Uncertain significance (1 of 4 stars; one submission).

Conditions:
PIEZO1-related disorder. Also called: PIEZO1-related condition; PIEZO1-Related Disorders.

gnomAD v4.1: 4 of 1,547,822 alleles (0.00026%); highest among the groups gnomAD compares: East Asian, 0.0024%; no homozygotes.

Submission:

PreventionGenetics, part of Exact Sciences
Classification: Uncertain significance for PIEZO1-related condition. Last evaluated: 2025-07-01. Review status: criteria provided, single submitter. Criteria: ACMG Guidelines, 2015. Collection method: clinical testing. Allele origin: germline.
Comment: The PIEZO1 c.4987G>A variant is predicted to result in the amino acid substitution p.Glu1663Lys. To our knowledge, this variant has not been reported in the literature or in a large population database (gnomAD), indicating this variant is rare. At this time, the clinical significance of this variant is uncertain due to the absence of conclusive functional and genetic evidence.

NM_001142864.4(PIEZO1):c.4987G>A (p.Glu1663Lys)

Gene: PIEZO1 (piezo type mechanosensitive ion channel component 1 (Er blood group); minus strand). Cytogenetic location: 16q24.3.
Variant type: single nucleotide variant.
Coding change: c.4987G>A on transcript NM_001142864.4 (MANE Select); coding-DNA position 4987, G replaced by A.
Protein change: p.Glu1663Lys; replaces glutamic acid 1663 with lysine.
Molecular consequence: missense variant.
Genome position (GRCh38, 1-based): chr16:88,722,035, C>T on the plus strand (G>A on the coding strand, the complement: PIEZO1 is on the minus strand). VCF-style: chr16-88722035-C-T. GRCh37 (hg19) VCF-style: chr16-88788443-C-T.
Other names: short protein forms E1663K.
Identifiers: ClinVar variation 5001897 (VCV005001897.1).